The following is an entry in ClinVar:

NM_005402.4(RALA):c.335T>C (p.Leu112Ser)

Gene: RALA (RAS like proto-oncogene A; plus strand). Cytogenetic location: 7p14.1.
Variant type: single nucleotide variant.
Coding change: c.335T>C on transcript NM_005402.4 (MANE Select); coding-DNA position 335, T replaced by C.
Protein change: p.Leu112Ser; replaces leucine 112 with serine.
Molecular consequence: missense variant.
Genome position (GRCh38, 1-based): chr7:39,696,696, T>C. VCF-style: chr7-39696696-T-C. GRCh37 (hg19) VCF-style: chr7-39736295-T-C.
Other names: short protein forms L112S.
Identifiers: ClinVar variation 5037019 (VCV005037019.1).
Genomic context (GRCh38, chr7:39,696,696, plus strand): 5'-GTGCTATCCTTATAATGTTAATATTTCTTTTTCATTTTCTCTTATCCAGGGAGCAGATTT[T>C]AAGAGTAAAAGAAGATGAGAATGTTCCATTTCTACTGGTTGGTAACAAATCAGATTTAGA-3'
Protein context (NP_005393.2, residues 102-122): AATADFREQI[Leu112Ser]RVKEDENVPF

ClinVar aggregate classification (germline): Uncertain significance (1 of 4 stars; one submission).

Submission:

GeneDx
Classification: Uncertain significance. Last evaluated: 2026-04-12. Review status: criteria provided, single submitter. Criteria: GeneDx Variant Classification Process June 2021. Collection method: clinical testing. Allele origin: germline.
Comment: Not observed at significant frequency in large population cohorts (gnomAD); In silico analysis supports that this missense variant has a deleterious effect on protein structure/function; Has not been previously published as pathogenic or benign to our knowledge